The following is an entry in ClinVar:

ClinVar aggregate classification (germline): Uncertain significance (1 of 4 stars; one submission).

Conditions:
RASopathy. Also called: rasopathies; Noonan spectrum disorder. Identifiers: Orphanet 536391, MedGen C5555857, MONDO:0021060.

gnomAD v4.1: 2 of 1,613,398 alleles (0.00012%); highest among the groups gnomAD compares: Non-Finnish European, 0.00017%; no homozygotes.

Submission:

Labcorp Genetics (formerly Invitae), Labcorp
Classification: Uncertain significance for RASopathy. Last evaluated: 2024-11-22. Review status: criteria provided, single submitter. Criteria: Invitae Variant Classification Sherloc (09022015). Collection method: clinical testing. Allele origin: germline.
Comment: This sequence change replaces serine, which is neutral and polar, with cysteine, which is neutral and slightly polar, at codon 756 of the SOS1 protein (p.Ser756Cys). This variant is not present in population databases (gnomAD no frequency). This variant has not been reported in the literature in individuals affected with SOS1-related conditions. Invitae Evidence Modeling of protein sequence and biophysical properties (such as structural, functional, and spatial information, amino acid conservation, physicochemical variation, residue mobility, and thermodynamic stability) has been performed for this missense variant. However, the output from this modeling did not meet the statistical confidence thresholds required to predict the impact of this variant on SOS1 protein function. In summary, the available evidence is currently insufficient to determine the role of this variant in disease. Therefore, it has been classified as a Variant of Uncertain Significance.

NM_005633.4(SOS1):c.2266A>T (p.Ser756Cys)

Gene: SOS1 (SOS Ras/Rac guanine nucleotide exchange factor 1; minus strand). Cytogenetic location: 2p22.1.
Variant type: single nucleotide variant.
Coding change: c.2266A>T on transcript NM_005633.4 (MANE Select); coding-DNA position 2266, A replaced by T.
Protein change: p.Ser756Cys; replaces serine 756 with cysteine.
Molecular consequence: missense variant.
Genome position (GRCh38, 1-based): chr2:39,012,250, T>A on the plus strand (A>T on the coding strand, the complement: SOS1 is on the minus strand). VCF-style: chr2-39012250-T-A. GRCh37 (hg19) VCF-style: chr2-39239391-T-A.
Other names: c.2245A>T, p.Ser749Cys (NM_001382394.1); c.2266A>T, p.Ser756Cys (NM_001382395.1); short protein forms S749C, S756C.
Identifiers: ClinVar variation 3624090 (VCV003624090.2).